The following is an entry in ClinVar:

ClinVar aggregate classification (germline): Uncertain significance (1 of 4 stars; one submission).

Conditions:
Intellectual developmental disorder, X-linked 1. Also called: MENTAL RETARDATION, X-LINKED 18; MENTAL RETARDATION, X-LINKED 78; Atkin Flaitz Patil Smith syndrome; Intellectual disability, X-linked 1. Identifiers: Orphanet 777, MedGen C2931498, MONDO:0010656, OMIM 309530.

Allele frequency attached by ClinVar (database versions not stated): gnomAD exomes below 0.00001; TOPMed 0.00001.

Submission:

Labcorp Genetics (formerly Invitae), Labcorp
Classification: Uncertain significance for Intellectual developmental disorder, X-linked 1. Last evaluated: 2022-11-05. Review status: criteria provided, single submitter. Criteria: Invitae Variant Classification Sherloc (09022015). Collection method: clinical testing. Allele origin: germline.
Comment: This missense change has been observed in individual(s) with an intellectual disability syndrome (PMID: 30666632). This variant is not present in population databases (gnomAD no frequency). This sequence change replaces asparagine, which is neutral and polar, with serine, which is neutral and polar, at codon 706 of the IQSEC2 protein (p.Asn706Ser). Advanced modeling of protein sequence and biophysical properties (such as structural, functional, and spatial information, amino acid conservation, physicochemical variation, residue mobility, and thermodynamic stability) performed at Invitae indicates that this missense variant is not expected to disrupt IQSEC2 protein function. In summary, the available evidence is currently insufficient to determine the role of this variant in disease. Therefore, it has been classified as a Variant of Uncertain Significance.

Literature cited by the submitters: PubMed 30666632.

NM_001111125.3(IQSEC2):c.2117A>G (p.Asn706Ser)

Gene: IQSEC2 (IQ motif and Sec7 domain ArfGEF 2; minus strand). Cytogenetic location: Xp11.22.
Variant type: single nucleotide variant.
Coding change: c.2117A>G on transcript NM_001111125.3 (MANE Select); coding-DNA position 2117, A replaced by G.
Protein change: p.Asn706Ser; replaces asparagine 706 with serine.
Molecular consequence: missense variant.
Genome position (GRCh38, 1-based): chrX:53,250,459, T>C on the plus strand (A>G on the coding strand, the complement: IQSEC2 is on the minus strand). VCF-style: chrX-53250459-T-C. GRCh37 (hg19) VCF-style: chrX-53279641-T-C.
Other names: c.2117A>G, p.Asn706Ser (NM_001410736.1); c.1502A>G, p.Asn501Ser (NM_015075.2); short protein forms N501S, N706S.
Identifiers: ClinVar variation 2907580 (VCV002907580.3), dbSNP rs2074368340, ClinGen allele CA413160826.